The following is an entry in ClinVar:

ClinVar aggregate classification (germline): Uncertain significance (1 of 4 stars; one submission).

Conditions:
Inborn genetic diseases. Identifiers: MedGen C0950123, MeSH D030342.

Submission:

Ambry Genetics
Classification: Uncertain significance for Inborn genetic diseases. Last evaluated: 2026-01-19. Review status: criteria provided, single submitter. Criteria: Ambry Variant Classification Scheme 2023. Collection method: clinical testing. Allele origin: germline.
Comment: The p.D730N variant (also known as c.2188G>A), located in coding exon 21 of the ANKRD26 gene, results from a G to A substitution at nucleotide position 2188. The aspartic acid at codon 730 is replaced by asparagine, an amino acid with highly similar properties. This amino acid position is conserved. In addition, this alteration is predicted to be tolerated by in silico analysis. Based on the available evidence, the clinical significance of this variant remains unclear.

NM_014915.3(ANKRD26):c.2188G>A (p.Asp730Asn)

Gene: ANKRD26 (ankyrin repeat domain 26; minus strand). Cytogenetic location: 10p12.1.
Variant type: single nucleotide variant.
Coding change: c.2188G>A on transcript NM_014915.3 (MANE Select); coding-DNA position 2188, G replaced by A.
Protein change: p.Asp730Asn; replaces aspartic acid 730 with asparagine.
Molecular consequence: missense variant.
Genome position (GRCh38, 1-based): chr10:27,040,152, C>T on the plus strand (G>A on the coding strand, the complement: ANKRD26 is on the minus strand). VCF-style: chr10-27040152-C-T. GRCh37 (hg19) VCF-style: chr10-27329081-C-T.
Other names: c.2185G>A, p.Asp729Asn (NM_001256053.2); short protein forms D730N, D729N.
Identifiers: ClinVar variation 4845117 (VCV004845117.1).